The following is an entry in ClinVar:

ClinVar aggregate classification (germline): Pathogenic (1 of 4 stars; one submission).

Submission:

Labcorp Genetics (formerly Invitae), Labcorp
Classification: Pathogenic. Last evaluated: 2024-10-25. Review status: criteria provided, single submitter. Criteria: Invitae Variant Classification Sherloc (09022015). Collection method: clinical testing. Allele origin: germline.
Comment: This sequence change creates a premature translational stop signal (p.Lys38Alafs*10) in the PLOD3 gene. It is expected to result in an absent or disrupted protein product. Loss-of-function variants in PLOD3 are known to be pathogenic (PMID: 30237576). This variant is present in population databases (no rsID available, gnomAD no frequency). This variant has not been reported in the literature in individuals affected with PLOD3-related conditions. For these reasons, this variant has been classified as Pathogenic.

Literature cited by the submitters: PubMed 30237576.

NC_000007.14:g.101216785CT[1]

Gene: PLOD3 (procollagen-lysine,2-oxoglutarate 5-dioxygenase 3; minus strand). Cytogenetic location: 7q22.1.
Variant type: Microsatellite.
Genome position: GRCh38 VCF-style: chr7-101216783-TTC-T. GRCh37 (hg19) VCF-style: chr7-100860064-TTC-T.
Identifiers: ClinVar variation 3619972 (VCV003619972.2).